The following is an entry in ClinVar:

NM_001329943.3(KIAA0586):c.3947A>C (p.Asn1316Thr)

Gene: KIAA0586 (KIAA0586; plus strand). Cytogenetic location: 14q23.1.
Variant type: single nucleotide variant.
Coding change: c.3947A>C on transcript NM_001329943.3 (MANE Select); coding-DNA position 3947, A replaced by C.
Protein change: p.Asn1316Thr; replaces asparagine 1316 with threonine.
Molecular consequence: missense variant. On other transcripts: intron variant (1).
Genome position (GRCh38, 1-based): chr14:58,492,232, A>C. VCF-style: chr14-58492232-A-C. GRCh37 (hg19) VCF-style: chr14-58958950-A-C.
Other names: c.4106A>C, p.Asn1369Thr (NM_001244189.2); c.3902A>C, p.Asn1301Thr (NM_001244190.2); c.3692A>C, p.Asn1231Thr (NM_001244191.2, NM_001329945.2, NM_001364700.1 and 1 more transcripts); c.3815A>C, p.Asn1272Thr (NM_001244192.2); c.3527A>C, p.Asn1176Thr (NM_001244193.2); c.3947A>C, p.Asn1316Thr (NM_001329944.2, NM_001329946.2); c.3719A>C, p.Asn1240Thr (NM_014749.5); c.3858+1992A>C (NM_001329947.2); and 1 more; short protein forms N1176T, N1231T, N1240T, N1272T, N1301T, N1316T, N1369T.
Identifiers: ClinVar variation 1804588 (VCV001804588.3), dbSNP rs2543765938, ClinGen allele CA389884666.

ClinVar aggregate classification (germline): Uncertain significance. Review status: criteria provided, multiple submitters, no conflicts (2 of 4 stars). 2 submissions from 2 submitters: Uncertain significance (2). Last evaluated 2023-02-14.

Conditions:
Inborn genetic diseases. Identifiers: MedGen C0950123, MeSH D030342.

Allele frequency attached by ClinVar (database versions not stated): gnomAD exomes 0.00001.
gnomAD v4.1: 10 of 1,551,386 alleles (0.00064%); highest among the groups gnomAD compares: Non-Finnish European, 0.0007%; no homozygotes.

Submissions (2):

Ambry Genetics
Classification: Uncertain significance for Inborn genetic diseases. Last evaluated: 2023-02-14. Review status: criteria provided, single submitter. Criteria: Ambry Variant Classification Scheme 2023. Collection method: clinical testing. Allele origin: germline.

GeneDx
Classification: Uncertain significance. Last evaluated: 2022-06-17. Review status: criteria provided, single submitter. Criteria: GeneDx Variant Classification Process June 2021. Collection method: clinical testing. Allele origin: germline. Affected: yes.
Comment: Not observed at significant frequency in large population cohorts (gnomAD); In silico analysis supports that this missense variant does not alter protein structure/function; Has not been previously published as pathogenic or benign to our knowledge